The following is an entry in ClinVar:

NM_006231.4(POLE):c.1092G>T (p.Gly364=)

Gene: POLE (DNA polymerase epsilon, catalytic subunit; minus strand). Cytogenetic location: 12q24.33.
Variant type: single nucleotide variant.
Coding change: c.1092G>T on transcript NM_006231.4 (MANE Select); coding-DNA position 1092, G replaced by T.
Protein change: p.Gly364=; no amino-acid change (glycine 364 retained).
Molecular consequence: synonymous variant.
Genome position (GRCh38, 1-based): chr12:132,675,749, C>A on the plus strand (G>T on the coding strand, the complement: POLE is on the minus strand). VCF-style: chr12-132675749-C-A. GRCh37 (hg19) VCF-style: chr12-133252335-C-A.
Other names: c.1092G>T (NM_006231.2).
Identifiers: ClinVar variation 1022966 (VCV001022966.10), dbSNP rs749415346, ClinGen allele CA482849721.
Genomic context (GRCh38, chr12:132,675,749, plus strand): 5'-CCTCTCAAATGCTGCCCAGTTACTCATAGAGAAGACACAGACTCACCAGTCAAAAAAGTC[C>A]CCGTTGTAGGTGACCATGATGGTGGGTTTGGTCTCCTGGACGTGTTCAAACCACCTTTGG-3'
Protein context (NP_006222.2, residues 354-374): TKPTIMVTYN[Gly364=]DFFDWPFVEA

ClinVar aggregate classification (germline): Benign/Likely benign. Review status: criteria provided, multiple submitters, no conflicts (2 of 4 stars). 3 submissions from 3 submitters: Benign (1); Likely benign (2). Last evaluated 2025-02-10.

Conditions:
Colorectal cancer, susceptibility to, 12 (CRCS12). Also called: COLORECTAL CANCER, SUSCEPTIBILITY TO, ON CHROMOSOME 12q24. Identifiers: Orphanet 220460, MedGen C3554460, MONDO:0014038, OMIM 615083.
Hereditary cancer-predisposing syndrome. Also called: Hereditary Cancer Syndrome; Neoplastic Syndromes, Hereditary; Tumor predisposition; Hereditary neoplastic syndrome. Identifiers: Orphanet 140162, MedGen C0027672, MeSH D009386, MONDO:0015356.

Allele frequency attached by ClinVar (database versions not stated): gnomAD 0.00001.

Submissions (3):

Myriad Genetics, Inc.
Classification: Benign for Colorectal cancer, susceptibility to, 12. Last evaluated: 2025-02-10. Review status: criteria provided, single submitter. Criteria: Myriad Autosomal Dominant, Autosomal Recessive and X-Linked Classification Criteria (2023). Collection method: clinical testing. Allele origin: unknown.
Comment: This variant is considered benign. This variant is a silent/synonymous amino acid change and it is not expected to impact splicing.

Ambry Genetics
Classification: Likely benign for Hereditary cancer-predisposing syndrome. Last evaluated: 2023-10-10. Review status: criteria provided, single submitter. Criteria: Ambry Variant Classification Scheme 2023. Collection method: clinical testing. Allele origin: germline.

Labcorp Genetics (formerly Invitae), Labcorp
Classification: Likely benign. Last evaluated: 2023-04-09. Review status: criteria provided, single submitter. Criteria: Invitae Variant Classification Sherloc (09022015). Collection method: clinical testing. Allele origin: germline.